The following is an entry in ClinVar:

ClinVar aggregate classification (germline): Conflicting classifications of pathogenicity. Review status: criteria provided, conflicting classifications (1 of 4 stars). 2 submissions from 2 submitters: Uncertain significance (1); Likely benign (1). Last evaluated 2025-05-19.

Conditions:
Emery-Dreifuss muscular dystrophy (EDMD). Also called: Scapuloperoneal syndrome, X-linked (formerly); Humeroperoneal neuromuscular disease, (formerly). Identifiers: Orphanet 261, MedGen C0410189, MONDO:0016830.

gnomAD v4.1: 11 of 1,613,726 alleles (0.00068%); highest among the groups gnomAD compares: Admixed American, 0.015%; no homozygotes.

Submissions (2):

Labcorp Genetics (formerly Invitae), Labcorp
Classification: Uncertain significance for Emery-Dreifuss muscular dystrophy. Last evaluated: 2025-05-19. Review status: criteria provided, single submitter. Criteria: Invitae Variant Classification Sherloc (09022015). Collection method: clinical testing. Allele origin: germline.
Comment: This sequence change replaces phenylalanine, which is neutral and non-polar, with leucine, which is neutral and non-polar, at codon 315 of the SUN1 protein (p.Phe315Leu). This variant is present in population databases (rs760512224, gnomAD 0.02%). This variant has not been reported in the literature in individuals affected with SUN1-related conditions. ClinVar contains an entry for this variant (Variation ID: 1371425). An algorithm developed to predict the effect of missense changes on protein structure and function outputs the following: PolyPhen-2: "Benign". The leucine amino acid residue is found in multiple mammalian species, which suggests that this missense change does not adversely affect protein function. In summary, the available evidence is currently insufficient to determine the role of this variant in disease. Therefore, it has been classified as a Variant of Uncertain Significance.

Ambry Genetics
Classification: Likely benign. Last evaluated: 2024-05-14. Review status: criteria provided, single submitter. Criteria: Ambry Variant Classification Scheme 2023. Collection method: clinical testing. Allele origin: germline.

NM_001130965.3(SUN1):c.945T>A (p.Phe315Leu)

Gene: SUN1 (Sad1 and UNC84 domain containing 1; plus strand). Cytogenetic location: 7p22.3.
Variant type: single nucleotide variant.
Coding change: c.945T>A on transcript NM_001130965.3 (MANE Select); coding-DNA position 945, T replaced by A.
Protein change: p.Phe315Leu; replaces phenylalanine 315 with leucine.
Molecular consequence: missense variant. On other transcripts: non-coding transcript variant (3), intron variant (1).
Genome position (GRCh38, 1-based): chr7:852,844, T>A. VCF-style: chr7-852844-T-A. GRCh37 (hg19) VCF-style: chr7-892481-T-A.
Other names: c.636T>A, p.Phe212Leu (NM_001171944.2); c.945T>A, p.Phe315Leu (NM_001367633.1, NM_001367634.1, NM_001367653.1 and 1 more transcripts); c.594T>A, p.Phe198Leu (NM_001367635.1); c.1185T>A, p.Phe395Leu (NM_001367636.1, NM_001367691.1); c.1053T>A, p.Phe351Leu (NM_001367638.1); c.486T>A, p.Phe162Leu (NM_001367639.1); c.1125T>A, p.Phe375Leu (NM_001367640.1); c.1227T>A, p.Phe409Leu (NM_001367641.1, NM_001367682.1); and 39 more; short protein forms F126L, F212L, F265L, F324L, F331L, F368L, F376L, F381L.
Identifiers: ClinVar variation 1371425 (VCV001371425.9), dbSNP rs760512224, ClinGen allele CA4112019.